The following is an entry in ClinVar:

NM_000020.3(ACVRL1):c.1346C>T (p.Pro449Leu)

Gene: ACVRL1 (activin A receptor like type 1; plus strand). Cytogenetic location: 12q13.13.
Variant type: single nucleotide variant.
Coding change: c.1346C>T on transcript NM_000020.3 (MANE Select); coding-DNA position 1346, C replaced by T.
Protein change: p.Pro449Leu; replaces proline 449 with leucine.
Molecular consequence: missense variant.
Genome position (GRCh38, 1-based): chr12:51,919,084, C>T. VCF-style: chr12-51919084-C-T. GRCh37 (hg19) VCF-style: chr12-52312868-C-T.
Other names: p.Pro449Leu; c.1346C>T, p.Pro449Leu (NM_001077401.2); short protein forms P449L.
Identifiers: ClinVar variation 1509552 (VCV001509552.17), dbSNP rs2139084385, ClinGen allele CA384904323.
Genomic context (GRCh38, chr12:51,919,084, plus strand): 5'-TGCCCAATGACCCCAGCTTTGAGGACATGAAGAAGGTGGTGTGTGTGGATCAGCAGACCC[C>T]CACCATCCCTAACCGGCTGGCTGCAGACCCGGTGAGGCCTCTGCTGGGACTAGGATGGCG-3'
Protein context (NP_000011.2, residues 439-459): KKVVCVDQQT[Pro449Leu]TIPNRLAADP

ClinVar aggregate classification (germline): Pathogenic/Likely pathogenic. Review status: criteria provided, multiple submitters, no conflicts (2 of 4 stars). 7 submissions from 7 submitters: Pathogenic (1); Likely pathogenic (4). 2 of the submissions do not count toward it. Last evaluated 2024-11-10.

Conditions:
ACVRL1-related disorder. Also called: ACVRL1-related disorders; ACVRL1-related condition.
Telangiectasia, hereditary hemorrhagic, type 2 (HHT2). Also called: Telangiectasia, hereditary hemorrhagic, type II; ACVRL1-Related Hereditary Hemorrhagic Telangiectasia. Identifiers: Orphanet 774, MedGen C1838163, MONDO:0010880, OMIM 600376. Disease mechanism: loss of function.
Cardiovascular phenotype. Identifiers: MedGen CN230736.

Submissions (7):

Labcorp Genetics (formerly Invitae), Labcorp
Classification: Pathogenic for Telangiectasia, hereditary hemorrhagic, type 2. Last evaluated: 2024-11-10. Review status: criteria provided, single submitter. Criteria: Invitae Variant Classification Sherloc (09022015). Collection method: clinical testing. Allele origin: germline.
Comment: This sequence change replaces proline, which is neutral and non-polar, with leucine, which is neutral and non-polar, at codon 449 of the ACVRL1 protein (p.Pro449Leu). This variant is not present in population databases (gnomAD no frequency). This missense change has been observed in individuals with hereditary hemorrhagic telangiectasia (PMID: 16542389; internal data). ClinVar contains an entry for this variant (Variation ID: 1509552). Invitae Evidence Modeling of protein sequence and biophysical properties (such as structural, functional, and spatial information, amino acid conservation, physicochemical variation, residue mobility, and thermodynamic stability) indicates that this missense variant is expected to disrupt ACVRL1 protein function with a positive predictive value of 95%. This variant disrupts the p.Pro449 amino acid residue in ACVRL1. Other variant(s) that disrupt this residue have been determined to be pathogenic (PMID: 20414677; internal data). This suggests that this residue is clinically significant, and that variants that disrupt this residue are likely to be disease-causing. For these reasons, this variant has been classified as Pathogenic.

Mayo Clinic Laboratories, Mayo Clinic
Classification: Likely pathogenic. Last evaluated: 2023-12-19. Review status: criteria provided, single submitter. Criteria: ACMG Guidelines, 2015. Collection method: clinical testing. Allele origin: germline. Observed: 1 variant allele.
Comment: PM1, PM2, PS4

Molecular Genetics, Royal Melbourne Hospital
Classification: Likely pathogenic for Telangiectasia, hereditary hemorrhagic, type 2. Last evaluated: 2023-03-30. Review status: criteria provided, single submitter. Criteria: ACMG Guidelines, 2015. Collection method: clinical testing. Allele origin: germline. Affected: yes.
Comment: This sequence change is predicted to replace proline with leucine at codon 449 of the ACVRL1 protein, p.(Pro449Leu). The proline residue is highly conserved (100 vertebrates, UCSC), and is located within the protein tyrosine kinase domain. There is a moderate physicochemical difference between proline and leucine. The variant is absent in a large population cohort (gnomAD v2.1). The variant has been identified in at least six individuals with hereditary haemorrhagic telangiectasia (HHT), two with a clinical diagnosis (PMID: 16542389, 19508727, 31455059; Royal Melbourne Hospital; ClinVar: SCV002300725.1). Multiple lines of computational evidence predict a deleterious effect for the missense substitution (5/7 algorithms). Two different missense changes at the same amino acid position (p.Pro449Ser, p.Pro449Thr) have each been reported in cases with HHT (PMID: 18673552, 20414677). Based on the classification scheme RMH ACMG Guidelines v1.5.1, this variant is classified as LIKELY PATHOGENIC. Following criteria are met: PS4, PM2_Supporting, PP3.

ARUP Laboratories, Molecular Genetics and Genomics, ARUP Laboratories
Classification: Likely pathogenic for Telangiectasia, hereditary hemorrhagic, type 2. Last evaluated: 2022-12-28. Review status: criteria provided, single submitter. Criteria: ARUP Molecular Germline Variant Investigation Process 2024. Collection method: clinical testing. Allele origin: germline.
Comment: The ACVRL1 c.1346C>T; p.Pro449Leu variant is reported in the literature in individuals with HHT (Kim 2019, Sadick 2009, Wehner 2006), and is also reported in ClinVar (Variation ID: 1509552). This variant is absent from the Genome Aggregation Database, indicating it is not a common polymorphism. Computational analyses are uncertain whether this variant is neutral or deleterious (REVEL: 0.677). Based on available information, this variant is considered to be likely pathogenic. References: Kim D et al. Current Status of Clinical Diagnosis and Genetic Analysis of Hereditary Hemorrhagic Telangiectasia in South Korea: Multicenter Case Series and a Systematic Review. Neurointervention. 2019 Sep;14(2):91-98. PMID: 31455059. Sadick H et al. Mutation analysis of "Endoglin" and "Activin receptor-like kinase" genes in German patients with hereditary hemorrhagic telangiectasia and the value of rapid genotyping using an allele-specific PCR-technique. BMC Med Genet. 2009 Jun 9;10:53. PMID: 19508727. Wehner LE et al. Mutation analysis in hereditary haemorrhagic telangiectasia in Germany reveals 11 novel ENG and 12 novel ACVRL1/ALK1 mutations. Clin Genet. 2006 Mar;69(3):239-45. PMID: 16542389.

Ambry Genetics
Classification: Likely pathogenic for Cardiovascular phenotype. Last evaluated: 2020-08-18. Review status: criteria provided, single submitter. Criteria: Ambry Variant Classification Scheme 2023. Collection method: clinical testing. Allele origin: germline.
Comment: The p.P449L variant (also known as c.1346C>T), located in coding exon 8 of the ACVRL1 gene, results from a C to T substitution at nucleotide position 1346. The proline at codon 449 is replaced by leucine, an amino acid with similar properties. This variant has been reported in multiple individuals with a definite or suspected diagnosis of hereditary hemorrhagic telangiectasia (Wehner LE et al. Clin. Genet., 2006 Mar;69:239-45; Sadick H et al. BMC Med. Genet., 2009 Jun;10:53; Kim D et al. Neurointervention, 2019 Sep;14:91-98). This variant was not reported in population-based cohorts in the Genome Aggregation Database (gnomAD). Based on internal structural analysis, this variant is more disruptive to the protein kinase domain of ACVRL1 than other pathogenic variants in the same domain (Kerr G et al. Angiogenesis, 2015 Apr;18:209-17; Modi V et al. Sci Rep, 2019 12;9:19790). Based on the majority of available evidence to date, this variant is likely to be pathogenic.

PreventionGenetics, part of Exact Sciences
Classification: Pathogenic for ACVRL1-related condition. Last evaluated: 2024-08-13. Review status: no assertion criteria provided. Collection method: clinical testing. Allele origin: germline. Not counted in ClinVar's aggregate classification.
Comment: The ACVRL1 c.1346C>T variant is predicted to result in the amino acid substitution p.Pro449Leu. This variant has been reported in individuals with hereditary hemorrhagic telangiectasia (HHT) (Wehner et al. 2006. PubMed ID: 16542389; Kim et al. 2019. PubMed ID: 31455059). This variant has not been reported in a large population database, indicating this variant is rare. Other variants impacting the same amino acid (Pro449Thr, Pro449Ala, and Pro449Ser) have been documented in patients with ACVRL1-related disease (Fontalba et al. 2008. PubMed ID: 18673552; Kitayama et al. 2021. PubMed ID: 34872578; Richards-Yutz et al. 2010. PubMed ID: 20414677). Based on this evidence, we interpret the c.1346C>T (p.Pro449Leu) variant as pathogenic.

GeneDx
Classification: Uncertain significance. Last evaluated: 2022-07-07. Review status: flagged submission. Criteria: GeneDx Variant Classification Process June 2021. Collection method: clinical testing. Allele origin: germline. Affected: yes. Not counted in ClinVar's aggregate classification.
Comment: Not observed at significant frequency in large population cohorts (gnomAD); In silico analysis supports that this missense variant has a deleterious effect on protein structure/function; This variant is associated with the following publications: (PMID: 16542389, 19508727, 31455059)
ClinVar note: Reason: Outlier claim with insufficient supporting evidence

Literature cited by the submitters: PubMed 16542389 (cited by 4 submitters); PubMed 20414677 (cited by 3 submitters); PubMed 18673552 (cited by Mayo Clinic Laboratories, Mayo Clinic and Molecular Genetics, Royal Melbourne Hospital); PubMed 19508727 (cited by 3 submitters); PubMed 25557927 (cited by Mayo Clinic Laboratories, Mayo Clinic and Ambry Genetics); PubMed 31455059 (cited by 3 submitters); PubMed 31875044 (cited by Mayo Clinic Laboratories, Mayo Clinic and Ambry Genetics); PubMed 34872578 (cited by Mayo Clinic Laboratories, Mayo Clinic).